The following is an entry in ClinVar:

NM_006767.4(LZTR1):c.1202A>G (p.Tyr401Cys)

Gene: LZTR1 (leucine zipper like post translational regulator 1; plus strand). Cytogenetic location: 22q11.21.
Variant type: single nucleotide variant.
Coding change: c.1202A>G on transcript NM_006767.4 (MANE Select); coding-DNA position 1202, A replaced by G.
Protein change: p.Tyr401Cys; replaces tyrosine 401 with cysteine.
Molecular consequence: missense variant.
Genome position (GRCh38, 1-based): chr22:20,992,846, A>G. VCF-style: chr22-20992846-A-G. GRCh37 (hg19) VCF-style: chr22-21347135-A-G.
Other names: short protein forms Y401C.
Identifiers: ClinVar variation 4745480 (VCV004745480.1).
Genomic context (GRCh38, chr22:20,992,846, plus strand): 5'-TCCCCCAGCTGCCCAGTGGGAGGCTCTTCCACGCGGCTGCTGTCATCTCGGACGCCATGT[A>G]CATCTTCGGGGGCACGGTGGACAACAACATCCGCAGCGGGGAGATGTACAGGTTCCAGGT-3'
Protein context (NP_006758.2, residues 391-411): HAAAVISDAM[Tyr401Cys]IFGGTVDNNI

ClinVar aggregate classification (germline): Uncertain significance (1 of 4 stars; one submission).

Submission:

Labcorp Genetics (formerly Invitae), Labcorp
Classification: Uncertain significance. Last evaluated: 2025-08-17. Review status: criteria provided, single submitter. Criteria: Invitae Variant Classification Sherloc (09022015). Collection method: clinical testing. Allele origin: germline.
Comment: This sequence change replaces tyrosine, which is neutral and polar, with cysteine, which is neutral and slightly polar, at codon 401 of the LZTR1 protein (p.Tyr401Cys). This variant is not present in population databases (gnomAD no frequency). This variant has not been reported in the literature in individuals affected with LZTR1-related conditions. Invitae Evidence Modeling of protein sequence and biophysical properties (such as structural, functional, and spatial information, amino acid conservation, physicochemical variation, residue mobility, and thermodynamic stability) indicates that this missense variant is not expected to disrupt LZTR1 protein function with a negative predictive value of 80%. In summary, the available evidence is currently insufficient to determine the role of this variant in disease. Therefore, it has been classified as a Variant of Uncertain Significance.